The following is an entry in ClinVar:

ClinVar aggregate classification (germline): not provided (0 of 4 stars; one submission).

Allele frequency attached by ClinVar (database versions not stated): gnomAD exomes below 0.00001.
gnomAD v4.1: 1 of 1,614,186 alleles (0.000062%); highest among the groups gnomAD compares: Non-Finnish European, 0.000085%; no homozygotes.

Submission:

ITMI
No classification provided. Condition: AllHighlyPenetrant. Last evaluated: 2013-09-19. Review status: no classification provided. Collection method: reference population. Allele origin: germline.
Comment: Please see associated publication for description of ethnicities

Literature cited by the submitters: PubMed 24728327.

NM_000123.4(ERCC5):c.362C>T (p.Thr121Ile)

Genes: BIVM-ERCC5 (BIVM-ERCC5 readthrough; plus strand), ERCC5 (ERCC excision repair 5, endonuclease; plus strand). Cytogenetic location: 13q33.1.
Variant type: single nucleotide variant.
Coding change: c.362C>T on transcript NM_000123.4 (MANE Select); coding-DNA position 362, C replaced by T.
Protein change: p.Thr121Ile; replaces threonine 121 with isoleucine.
Molecular consequence: missense variant.
Genome position (GRCh38, 1-based): chr13:102,853,854, C>T. VCF-style: chr13-102853854-C-T. GRCh37 (hg19) VCF-style: chr13-103506204-C-T.
Other names: c.1724C>T, p.Thr575Ile (NM_001204425.2); short protein forms T121I, T575I.
Identifiers: ClinVar variation 134177 (VCV000134177.1), dbSNP rs587778294, ClinGen allele CA159010.
Genomic context (GRCh38, chr13:102,853,854, plus strand): 5'-ACTCCAGGAAAACGACAGAGAAGCTTCTGAAAACATTTTTGAAAAGACAAGCCATCAAAA[C>T]TGCCTTCAGAAGCAAAAGGCAAGAGGAAAATTATAGTCGTGTTAGAGATGAAGTTTTAAA-3'
Protein context (NP_000114.3, residues 111-131): KTFLKRQAIK[Thr121Ile]AFRSKRDEAL